The following is an entry in ClinVar:

NM_004385.5(VCAN):c.1093C>A (p.Pro365Thr)

Gene: VCAN (versican; plus strand). Cytogenetic location: 5q14.3.
Variant type: single nucleotide variant.
Coding change: c.1093C>A on transcript NM_004385.5 (MANE Select); coding-DNA position 1093, C replaced by A.
Protein change: p.Pro365Thr; replaces proline 365 with threonine.
Molecular consequence: missense variant. On other transcripts: intron variant (2).
Genome position (GRCh38, 1-based): chr5:83,519,399, C>A. VCF-style: chr5-83519399-C-A. GRCh37 (hg19) VCF-style: chr5-82815218-C-A.
Other names: c.1093C>A, p.Pro365Thr (NM_001164098.2); c.1042+7003C>A (NM_001164097.2, NM_001126336.3); short protein forms P365T.
Identifiers: ClinVar variation 4705470 (VCV004705470.1).
Genomic context (GRCh38, chr5:83,519,399, plus strand): 5'-ATTTTTCTAGCTAAAGAGGCTACAACCATCGATTTGAGTATCCTCGCAGAAACTGCATCA[C>A]CCAGTTTATCCAAAGAACCACAAATGGTTTCTGATAGAACTACACCAATCATCCCTTTAG-3'
Protein context (NP_004376.2, residues 355-375): DLSILAETAS[Pro365Thr]SLSKEPQMVS

ClinVar aggregate classification (germline): Uncertain significance (1 of 4 stars; one submission).

gnomAD v4.1: 9 of 1,613,936 alleles (0.00056%); highest among the groups gnomAD compares: African/African-American, 0.0013%; no homozygotes.

Submission:

Labcorp Genetics (formerly Invitae), Labcorp
Classification: Uncertain significance. Last evaluated: 2025-10-21. Review status: criteria provided, single submitter. Criteria: Invitae Variant Classification Sherloc (09022015). Collection method: clinical testing. Allele origin: germline.
Comment: This sequence change replaces proline, which is neutral and non-polar, with threonine, which is neutral and polar, at codon 365 of the VCAN protein (p.Pro365Thr). This variant is present in population databases (no rsID available, gnomAD 0.002%). This missense change has been observed in individual(s) with retinitis pigmentosa (internal data). An algorithm developed to predict the effect of missense changes on protein structure and function (PolyPhen-2) suggests that this variant is likely to be disruptive. In summary, the available evidence is currently insufficient to determine the role of this variant in disease. Therefore, it has been classified as a Variant of Uncertain Significance.